The following is an entry in ClinVar:

NM_173354.5(SIK1):c.1A>C (p.Met1Leu)

Gene: SIK1 (salt inducible kinase 1; minus strand). Cytogenetic location: 21q22.3.
Variant type: single nucleotide variant.
Coding change: c.1A>C on transcript NM_173354.5 (MANE Select); coding-DNA position 1, A replaced by C.
Protein change: p.Met1Leu; changes the start codon (methionine 1).
Molecular consequence: missense variant, initiator codon variant.
Genome position (GRCh38, 1-based): chr21:43,426,178, T>G on the plus strand (A>C on the coding strand, the complement: SIK1 is on the minus strand). VCF-style: chr21-43426178-T-G. GRCh37 (hg19) VCF-style: chr21-44846058-T-G.
Other names: short protein forms M1L.
Identifiers: ClinVar variation 5029561 (VCV005029561.1).

ClinVar aggregate classification (germline): Uncertain significance (1 of 4 stars; one submission).

Conditions:
Inborn genetic diseases. Identifiers: MedGen C0950123, MeSH D030342.

Submission:

Ambry Genetics
Classification: Uncertain significance for Inborn genetic diseases. Last evaluated: 2026-09-10. Review status: criteria provided, single submitter. Criteria: Ambry Variant Classification Scheme 2023. Collection method: clinical testing. Allele origin: germline.
Comment: This variant was not reported in population-based cohorts in the Genome Aggregation Database (gnomAD). Based on insufficient or conflicting evidence, the clinical significance of this alteration remains unclear.

Literature cited by the submitters: PubMed 28106320.